The following is an entry in ClinVar:

NM_145698.5(ACBD5):c.520A>G (p.Asn174Asp)

Gene: ACBD5 (acyl-CoA binding domain containing 5; minus strand). Cytogenetic location: 10p12.1.
Variant type: single nucleotide variant.
Coding change: c.520A>G on transcript NM_145698.5 (MANE Select); coding-DNA position 520, A replaced by G.
Protein change: p.Asn174Asp; replaces asparagine 174 with aspartic acid.
Molecular consequence: missense variant. On other transcripts: intron variant (2).
Genome position (GRCh38, 1-based): chr10:27,219,828, T>C on the plus strand (A>G on the coding strand, the complement: ACBD5 is on the minus strand). VCF-style: chr10-27219828-T-C. GRCh37 (hg19) VCF-style: chr10-27508757-T-C.
Other names: c.514A>G, p.Asn172Asp (NM_001271512.3, NM_001352587.1); c.193A>G, p.Asn65Asp (NM_001301251.2, NM_001301252.2, NM_001301253.2 and 3 more transcripts); c.574A>G, p.Asn192Asp (NM_001352568.1); c.553A>G, p.Asn185Asp (NM_001352569.1, NM_001352581.1); c.520A>G, p.Asn174Asp (NM_001352570.1, NM_001352588.1); c.547A>G, p.Asn183Asp (NM_001352571.1, NM_001352586.1); c.541A>G, p.Asn181Asp (NM_001352572.1); c.448A>G, p.Asn150Asp (NM_001352574.2, NM_001352575.2, NM_001352576.2); and 4 more; short protein forms N139D, N150D, N183D, N172D, N174D, N181D, N185D, N192D.
Identifiers: ClinVar variation 2087392 (VCV002087392.1), dbSNP rs375580326, ClinGen allele CA5450898.

ClinVar aggregate classification (germline): Uncertain significance (1 of 4 stars; one submission).

Allele frequency attached by ClinVar (database versions not stated): ExAC 0.00001; TOPMed 0.00001; ESP Exome Variant Server 0.00008.

Submission:

Labcorp Genetics (formerly Invitae), Labcorp
Classification: Uncertain significance. Last evaluated: 2022-02-20. Review status: criteria provided, single submitter. Criteria: Invitae Variant Classification Sherloc (09022015). Collection method: clinical testing. Allele origin: germline.
Comment: This sequence change replaces asparagine, which is neutral and polar, with aspartic acid, which is acidic and polar, at codon 174 of the ACBD5 protein (p.Asn174Asp). This variant is present in population databases (rs375580326, gnomAD 0.007%). This variant has not been reported in the literature in individuals affected with ACBD5-related conditions. Algorithms developed to predict the effect of missense changes on protein structure and function are either unavailable or do not agree on the potential impact of this missense change (SIFT: "Tolerated"; PolyPhen-2: "Possibly Damaging"; Align-GVGD: "Class C0"). Algorithms developed to predict the effect of sequence changes on RNA splicing suggest that this variant may create or strengthen a splice site. In summary, the available evidence is currently insufficient to determine the role of this variant in disease. Therefore, it has been classified as a Variant of Uncertain Significance.